The following is an entry in ClinVar:

NM_000489.6(ATRX):c.668G>C (p.Cys223Ser)

Gene: ATRX (ATRX chromatin remodeler; minus strand). Cytogenetic location: Xq21.1.
Variant type: single nucleotide variant.
Coding change: c.668G>C on transcript NM_000489.6 (MANE Select); coding-DNA position 668, G replaced by C.
Protein change: p.Cys223Ser; replaces cysteine 223 with serine.
Molecular consequence: missense variant.
Genome position (GRCh38, 1-based): chrX:77,684,588, C>G on the plus strand (G>C on the coding strand, the complement: ATRX is on the minus strand). VCF-style: chrX-77684588-C-G. GRCh37 (hg19) VCF-style: chrX-76940080-C-G.
Other names: c.554G>C, p.Cys185Ser (NM_138270.5); short protein forms C223S, C185S.
Identifiers: ClinVar variation 2822205 (VCV002822205.3), dbSNP rs1557142844, ClinGen allele CA413720940.

ClinVar aggregate classification (germline): Uncertain significance (1 of 4 stars; one submission).

Conditions:
Alpha thalassemia-X-linked intellectual disability syndrome (ATRX). Also called: ALPHA-THALASSEMIA/MENTAL RETARDATION SYNDROME, X-LINKED; ATR, NONDELETION TYPE; ATR-X syndrome; Alpha thalassemia mental retardation syndrome, nondeletion type, X-linked; XLMR hypotonic face syndrome; X-linked alpha-thalassemia-mental retardation syndrome. Identifiers: Orphanet 847, MedGen C1845055, MONDO:0010519, OMIM 301040.

Submission:

Labcorp Genetics (formerly Invitae), Labcorp
Classification: Uncertain significance for Alpha thalassemia-X-linked intellectual disability syndrome. Last evaluated: 2023-03-24. Review status: criteria provided, single submitter. Criteria: Invitae Variant Classification Sherloc (09022015). Collection method: clinical testing. Allele origin: germline.
Comment: Advanced modeling of protein sequence and biophysical properties (such as structural, functional, and spatial information, amino acid conservation, physicochemical variation, residue mobility, and thermodynamic stability) performed at Invitae indicates that this missense variant is expected to disrupt ATRX protein function. In summary, the available evidence is currently insufficient to determine the role of this variant in disease. Therefore, it has been classified as a Variant of Uncertain Significance. This variant has not been reported in the literature in individuals affected with ATRX-related conditions. This variant is not present in population databases (gnomAD no frequency). This sequence change replaces cysteine, which is neutral and slightly polar, with serine, which is neutral and polar, at codon 223 of the ATRX protein (p.Cys223Ser).